The following is an entry in ClinVar:

NM_014270.5(SLC7A9):c.1183G>A (p.Val395Met)

Gene: SLC7A9 (solute carrier family 7 member 9; minus strand). Cytogenetic location: 19q13.11.
Variant type: single nucleotide variant.
Coding change: c.1183G>A on transcript NM_014270.5 (MANE Select); coding-DNA position 1183, G replaced by A.
Protein change: p.Val395Met; replaces valine 395 with methionine.
Molecular consequence: missense variant.
Genome position (GRCh38, 1-based): chr19:32,842,209, C>T on the plus strand (G>A on the coding strand, the complement: SLC7A9 is on the minus strand). VCF-style: chr19-32842209-C-T. GRCh37 (hg19) VCF-style: chr19-33333115-C-T.
Other names: c.1183G>A, p.Val395Met (NM_001126335.2, NM_001243036.2); short protein forms V395M.
Identifiers: ClinVar variation 3390467 (VCV003390467.1).

ClinVar aggregate classification (germline): Uncertain significance (1 of 4 stars; one submission).

gnomAD v4.1: 28 of 1,613,980 alleles (0.0017%); highest among the groups gnomAD compares: East Asian, 0.013%; 1 homozygote.

Submission:

GeneDx
Classification: Uncertain significance. Last evaluated: 2024-06-12. Review status: criteria provided, single submitter. Criteria: GeneDx Variant Classification Process June 2021. Collection method: clinical testing. Allele origin: germline. Affected: yes.
Comment: In silico analysis indicates that this missense variant does not alter protein structure/function; Has not been previously published as pathogenic or benign to our knowledge